The following is an entry in ClinVar:

NM_198282.4(STING1):c.19C>T (p.His7Tyr)

Gene: STING1 (stimulator of interferon response cGAMP interactor 1; minus strand). Cytogenetic location: 5q31.2.
Variant type: single nucleotide variant.
Coding change: c.19C>T on transcript NM_198282.4 (MANE Select); coding-DNA position 19, C replaced by T.
Protein change: p.His7Tyr; replaces histidine 7 with tyrosine.
Molecular consequence: missense variant. On other transcripts: intron variant (1).
Genome position (GRCh38, 1-based): chr5:139,481,686, G>A on the plus strand (C>T on the coding strand, the complement: STING1 is on the minus strand). VCF-style: chr5-139481686-G-A. GRCh37 (hg19) VCF-style: chr5-138861271-G-A.
Other names: c.19C>T, p.His7Tyr (NM_001301738.2); c.-130-344C>T (NM_001367258.1); short protein forms H7Y.
Identifiers: ClinVar variation 4998810 (VCV004998810.1).

ClinVar aggregate classification (germline): Uncertain significance (1 of 4 stars; one submission).

Conditions:
STING1-related disorder. Also called: STING1-related condition.

Submission:

PreventionGenetics, part of Exact Sciences
Classification: Uncertain significance for STING1-related condition. Last evaluated: 2025-03-17. Review status: criteria provided, single submitter. Criteria: ACMG Guidelines, 2015. Collection method: clinical testing. Allele origin: germline.
Comment: The STING1 c.19C>T variant is predicted to result in the amino acid substitution p.His7Tyr. To our knowledge, this variant has not been reported in the literature or in a large population database (gnomAD), indicating this variant is rare. At this time, the clinical significance of this variant is uncertain due to the absence of conclusive functional and genetic evidence.